The following is an entry in ClinVar:

NM_016507.4(CDK12):c.3190A>G (p.Lys1064Glu)

Gene: CDK12 (cyclin dependent kinase 12; plus strand). Cytogenetic location: 17q12.
Variant type: single nucleotide variant.
Coding change: c.3190A>G on transcript NM_016507.4 (MANE Select); coding-DNA position 3190, A replaced by G.
Protein change: p.Lys1064Glu; replaces lysine 1064 with glutamic acid.
Molecular consequence: missense variant.
Genome position (GRCh38, 1-based): chr17:39,524,768, A>G. VCF-style: chr17-39524768-A-G. GRCh37 (hg19) VCF-style: chr17-37681021-A-G.
Other names: c.3190A>G, p.Lys1064Glu (NM_015083.4); short protein forms K1064E.
Identifiers: ClinVar variation 4651315 (VCV004651315.1).

ClinVar aggregate classification (germline): Uncertain significance (1 of 4 stars; one submission).

gnomAD v4.1: 1 of 1,614,236 alleles (0.000062%); highest among the groups gnomAD compares: East Asian, 0.0022%; no homozygotes.

Submission:

Ambry Genetics
Classification: Uncertain significance. Last evaluated: 2025-09-18. Review status: criteria provided, single submitter. Criteria: Ambry Variant Classification Scheme 2023. Collection method: clinical testing. Allele origin: germline.
Comment: The p.K1064E variant (also known as c.3190A>G), located in coding exon 12 of the CDK12 gene, results from an A to G substitution at nucleotide position 3190. The lysine at codon 1064 is replaced by glutamic acid, an amino acid with similar properties. This amino acid position is conserved. In addition, the in silico prediction for this alteration is inconclusive. Based on the available evidence, the clinical significance of this variant remains unclear.